The following is an entry in ClinVar:

ClinVar aggregate classification (germline): Uncertain significance (1 of 4 stars; one submission).

Conditions:
Duchenne muscular dystrophy (DMD). Also called: MUSCULAR DYSTROPHY, PSEUDOHYPERTROPHIC PROGRESSIVE, DUCHENNE TYPE; Duchenne Muscular Dystrophy (DMD). Identifiers: Orphanet 98896, MedGen C0013264, MONDO:0010679, OMIM 310200.

Allele frequency attached by ClinVar (database versions not stated): ExAC 0.00001.
gnomAD v4.1: 3 of 1,208,846 alleles (0.00025%); highest among the groups gnomAD compares: Admixed American, 0.0044%; no homozygotes.

Submission:

Labcorp Genetics (formerly Invitae), Labcorp
Classification: Uncertain significance for Duchenne muscular dystrophy. Last evaluated: 2025-02-25. Review status: criteria provided, single submitter. Criteria: Invitae Variant Classification Sherloc (09022015). Collection method: clinical testing. Allele origin: germline.
Comment: This sequence change replaces threonine, which is neutral and polar, with lysine, which is basic and polar, at codon 679 of the DMD protein (p.Thr679Lys). This variant is present in population databases (rs752538981, gnomAD 0.004%). This variant has not been reported in the literature in individuals affected with DMD-related conditions. ClinVar contains an entry for this variant (Variation ID: 2895175). Invitae Evidence Modeling of protein sequence and biophysical properties (such as structural, functional, and spatial information, amino acid conservation, physicochemical variation, residue mobility, and thermodynamic stability) indicates that this missense variant is not expected to disrupt DMD protein function with a negative predictive value of 95%. In summary, the available evidence is currently insufficient to determine the role of this variant in disease. Therefore, it has been classified as a Variant of Uncertain Significance.

NM_004006.3(DMD):c.2036C>A (p.Thr679Lys)

Gene: DMD (dystrophin; minus strand). Cytogenetic location: Xp21.1.
Variant type: single nucleotide variant.
Coding change: c.2036C>A on transcript NM_004006.3 (MANE Select); coding-DNA position 2036, C replaced by A.
Protein change: p.Thr679Lys; replaces threonine 679 with lysine.
Molecular consequence: missense variant.
Genome position (GRCh38, 1-based): chrX:32,545,291, G>T on the plus strand (C>A on the coding strand, the complement: DMD is on the minus strand). VCF-style: chrX-32545291-G-T. GRCh37 (hg19) VCF-style: chrX-32563408-G-T.
Other names: c.2012C>A, p.Thr671Lys (NM_000109.4); c.2024C>A, p.Thr675Lys (NM_004009.3); c.1667C>A, p.Thr556Lys (NM_004010.3); short protein forms T671K, T675K, T679K, T556K.
Identifiers: ClinVar variation 2895175 (VCV002895175.3), dbSNP rs752538981, ClinGen allele CA10379651.
Genomic context (GRCh38, chrX:32,545,291, plus strand): 5'-GCATGCTTTACCAGGATCTGTTCCCTTGTGGTCACCGTAGTTACTGTTTCCATTACAGTT[G>T]TCTGTGTTAGTGATGGCTGAGTGGTGGTGACAGCCTGTGAAATCTGTGAGAAGTATTGAA-3'
Protein context (NP_003997.2, residues 669-689): VTTTQPSLTQ[Thr679Lys]TVMETVTTVT